The following is an entry in ClinVar:

NM_022765.4(MICAL1):c.1235C>A (p.Ala412Glu)

Gene: MICAL1 (microtubule associated monooxygenase, calponin and LIM domain containing 1; minus strand). Cytogenetic location: 6q21.
Variant type: single nucleotide variant.
Coding change: c.1235C>A on transcript NM_022765.4 (MANE Select); coding-DNA position 1235, C replaced by A.
Protein change: p.Ala412Glu; replaces alanine 412 with glutamic acid.
Molecular consequence: missense variant.
Genome position (GRCh38, 1-based): chr6:109,450,042, G>T on the plus strand (C>A on the coding strand, the complement: MICAL1 is on the minus strand). VCF-style: chr6-109450042-G-T. GRCh37 (hg19) VCF-style: chr6-109771245-G-T.
Other names: c.977C>A, p.Ala326Glu (NM_001159291.2); c.1292C>A, p.Ala431Glu (NM_001286613.2); short protein forms A412E, A326E, A431E.
Identifiers: ClinVar variation 2189361 (VCV002189361.4), dbSNP rs1037447402, ClinGen allele CA145120259.

ClinVar aggregate classification (germline): Uncertain significance (1 of 4 stars; one submission).

Allele frequency attached by ClinVar (database versions not stated): gnomAD 0.00002; TOPMed 0.00002.
gnomAD v4.1: 51 of 1,614,014 alleles (0.0032%); highest among the groups gnomAD compares: Middle Eastern, 0.033%; no homozygotes.

Submission:

Labcorp Genetics (formerly Invitae), Labcorp
Classification: Uncertain significance. Last evaluated: 2023-11-19. Review status: criteria provided, single submitter. Criteria: Invitae Variant Classification Sherloc (09022015). Collection method: clinical testing. Allele origin: germline.
Comment: This sequence change replaces alanine, which is neutral and non-polar, with glutamic acid, which is acidic and polar, at codon 431 of the MICAL1 protein (p.Ala431Glu). This variant is present in population databases (no rsID available, gnomAD 0.007%). This variant has not been reported in the literature in individuals affected with MICAL1-related conditions. ClinVar contains an entry for this variant (Variation ID: 2189361). An algorithm developed to predict the effect of missense changes on protein structure and function (PolyPhen-2) suggests that this variant is likely to be disruptive. In summary, the available evidence is currently insufficient to determine the role of this variant in disease. Therefore, it has been classified as a Variant of Uncertain Significance.